The following is an entry in ClinVar:

NM_000232.5(SGCB):c.5C>T (p.Ala2Val)

Genes: SGCB (sarcoglycan beta; minus strand), LOC129992585 (ATAC-STARR-seq lymphoblastoid silent region 15421; plus strand). Cytogenetic location: 4q12.
Variant type: single nucleotide variant.
Coding change: c.5C>T on transcript NM_000232.5 (MANE Select); coding-DNA position 5, C replaced by T.
Protein change: p.Ala2Val; replaces alanine 2 with valine.
Molecular consequence: missense variant.
Genome position (GRCh38, 1-based): chr4:52,038,255, G>A on the plus strand (C>T on the coding strand, the complement: SGCB is on the minus strand). VCF-style: chr4-52038255-G-A. GRCh37 (hg19) VCF-style: chr4-52904421-G-A.
Other names: short protein forms A2V.
Identifiers: ClinVar variation 3637372 (VCV003637372.2).

ClinVar aggregate classification (germline): Uncertain significance (1 of 4 stars; one submission).

Conditions:
Autosomal recessive limb-girdle muscular dystrophy type 2E (LGMDR4). Also called: MUSCULAR DYSTROPHY, LIMB-GIRDLE, AUTOSOMAL RECESSIVE 4. Identifiers: Orphanet 119, MedGen C1858593, MONDO:0011423, OMIM 604286. Disease mechanism: Affects gamma-sarcoglycan and also disrupts the integrity of the entire sarcoglycan complex..

gnomAD v4.1: 7 of 1,296,590 alleles (0.00054%); highest among the groups gnomAD compares: South Asian, 0.0049%; no homozygotes.

Submission:

Labcorp Genetics (formerly Invitae), Labcorp
Classification: Uncertain significance for Autosomal recessive limb-girdle muscular dystrophy type 2E. Last evaluated: 2024-09-20. Review status: criteria provided, single submitter. Criteria: Invitae Variant Classification Sherloc (09022015). Collection method: clinical testing. Allele origin: germline.
Comment: This sequence change replaces alanine, which is neutral and non-polar, with valine, which is neutral and non-polar, at codon 2 of the SGCB protein (p.Ala2Val). The frequency data for this variant in the population databases is considered unreliable, as metrics indicate poor data quality at this position in the gnomAD database. This variant has not been reported in the literature in individuals affected with SGCB-related conditions. Experimental studies and prediction algorithms are not available or were not evaluated, and the functional significance of this variant is currently unknown. In summary, the available evidence is currently insufficient to determine the role of this variant in disease. Therefore, it has been classified as a Variant of Uncertain Significance.